The following is an entry in ClinVar:

NM_001048174.2(MUTYH):c.122C>T (p.Ala41Val)

Gene: MUTYH (mutY DNA glycosylase; minus strand). Cytogenetic location: 1p34.1.
Variant type: single nucleotide variant.
Coding change: c.122C>T on transcript NM_001048174.2 (MANE Select); coding-DNA position 122, C replaced by T.
Protein change: p.Ala41Val; replaces alanine 41 with valine.
Molecular consequence: missense variant. On other transcripts: 5 prime UTR variant (1), non-coding transcript variant (2), intron variant (3).
Genome position (GRCh38, 1-based): chr1:45,333,555, G>A on the plus strand (C>T on the coding strand, the complement: MUTYH is on the minus strand). VCF-style: chr1-45333555-G-A. GRCh37 (hg19) VCF-style: chr1-45799227-G-A.
Other names: c.122C>T, p.Ala41Val (NM_001048171.2, NM_001048173.2, NM_001293195.2); c.125C>T, p.Ala42Val (NM_001048172.2); c.206C>T, p.Ala69Val (NM_001128425.2); c.167C>T, p.Ala56Val (NM_001293190.2); c.155C>T, p.Ala52Val (NM_001293191.2); c.-150C>T (NM_001350650.2); c.197C>T, p.Ala66Val (NM_012222.3); c.-92-58C>T (NM_001350651.2); and 1 more; short protein forms A69V, A41V, A52V, A56V, A66V, A42V.
Identifiers: ClinVar variation 186959 (VCV000186959.15), dbSNP rs786203354, ClinGen allele CA013233.

ClinVar aggregate classification (germline): Conflicting classifications of pathogenicity. Review status: criteria provided, conflicting classifications (1 of 4 stars). 3 submissions from 3 submitters: Uncertain significance (2); Benign (1). Last evaluated 2025-09-09.

Conditions:
Hereditary cancer-predisposing syndrome. Also called: Neoplastic Syndromes, Hereditary; Tumor predisposition; Hereditary Cancer Syndrome; Hereditary neoplastic syndrome. Identifiers: Orphanet 140162, MedGen C0027672, MeSH D009386, MONDO:0015356.
Familial adenomatous polyposis 2. Also called: Adenomas, multiple colorectal; COLORECTAL ADENOMATOUS POLYPOSIS, AUTOSOMAL RECESSIVE; ADENOMAS, MULTIPLE COLORECTAL, AUTOSOMAL RECESSIVE; MYH-associated polyposis; MUTYH Polyposis; FAP type 2. Identifiers: Orphanet 220460, Orphanet 247798, MedGen C3272841, MONDO:0012041, OMIM 608456.

Allele frequency attached by ClinVar (database versions not stated): TOPMed below 0.00001.

Submissions (3):

Ambry Genetics
Classification: Benign for Hereditary cancer-predisposing syndrome. Last evaluated: 2025-09-09. Review status: criteria provided, single submitter. Criteria: Ambry Variant Classification Scheme 2023. Collection method: clinical testing. Allele origin: germline.

Labcorp Genetics (formerly Invitae), Labcorp
Classification: Uncertain significance for Familial adenomatous polyposis 2. Last evaluated: 2024-12-04. Review status: criteria provided, single submitter. Criteria: Invitae Variant Classification Sherloc (09022015). Collection method: clinical testing. Allele origin: germline.
Comment: This sequence change replaces alanine, which is neutral and non-polar, with valine, which is neutral and non-polar, at codon 69 of the MUTYH protein (p.Ala69Val). This variant is not present in population databases (gnomAD no frequency). This variant has not been reported in the literature in individuals affected with MUTYH-related conditions. ClinVar contains an entry for this variant (Variation ID: 186959). An algorithm developed to predict the effect of missense changes on protein structure and function outputs the following: PolyPhen-2: "Benign". The valine amino acid residue is found in multiple mammalian species, which suggests that this missense change does not adversely affect protein function. In summary, the available evidence is currently insufficient to determine the role of this variant in disease. Therefore, it has been classified as a Variant of Uncertain Significance.

Color Diagnostics, LLC DBA Color Health
Classification: Uncertain significance for Hereditary cancer-predisposing syndrome. Last evaluated: 2022-10-10. Review status: criteria provided, single submitter. Criteria: ACMG Guidelines, 2015. Collection method: clinical testing. Allele origin: germline.
Comment: This missense variant replaces alanine with valine at codon 69 of the MUTYH protein. Computational prediction suggests that this variant may not impact protein structure and function (internally defined REVEL score threshold <= 0.5, PMID: 27666373). To our knowledge, functional studies have not been reported for this variant. This variant has not been reported in individuals affected with hereditary cancer in the literature. This variant has not been identified in the general population by the Genome Aggregation Database (gnomAD). The available evidence is insufficient to determine the role of this variant in disease conclusively. Therefore, this variant is classified as a Variant of Uncertain Significance.